The following is an entry in ClinVar:

ClinVar aggregate classification (germline): Benign/Likely benign. Review status: criteria provided, multiple submitters, no conflicts (2 of 4 stars). 3 submissions from 3 submitters: Benign (2); Likely benign (1). Last evaluated 2024-11-11.

Conditions:
Methylmalonic aciduria and homocystinuria type cblF. Also called: METHYLMALONIC ACIDEMIA AND HOMOCYSTINURIA, cblF TYPE; METHYLMALONIC ACIDURIA DUE TO VITAMIN B12-RELEASE DEFECT; VITAMIN B12 LYSOSOMAL RELEASE DEFECT; VITAMIN B12 STORAGE DISEASE; COBALAMIN F DISEASE; COBALAMIN, DEFECT IN LYSOSOMAL RELEASE OF. Identifiers: Orphanet 79284, MedGen C1848578, MONDO:0010183, OMIM 277380.

Allele frequency attached by ClinVar (database versions not stated): gnomAD exomes 0.00076; ExAC 0.00100; 1000 Genomes Project 0.00300; ESP Exome Variant Server 0.00323; 1000 Genomes Project 30x 0.00328; gnomAD 0.00352 and 0.00384; TOPMed 0.00396.
gnomAD v4.1: 1,053 of 1,605,006 alleles (0.066%); highest among the groups gnomAD compares: African/African-American, 1.3%; 6 homozygotes.

Submissions (3):

Blueprint Genetics
Classification: Likely benign. Last evaluated: 2024-11-11. Review status: criteria provided, single submitter. Criteria: ACMG Guidelines, 2015. Collection method: clinical testing. Allele origin: germline.

Illumina Laboratory Services, Illumina
Classification: Benign for Methylmalonic aciduria and homocystinuria type cblF. Last evaluated: 2018-01-13. Review status: criteria provided, single submitter. Criteria: ICSL Variant Classification Criteria 13 December 2019. Collection method: clinical testing. Allele origin: germline.
Comment: This variant was observed in the ICSL laboratory as part of a predisposition screen in an ostensibly healthy population. It had not been previously curated by ICSL or reported in the Human Gene Mutation Database (HGMD: prior to June 1st, 2018), and was therefore a candidate for classification through an automated scoring system. Utilizing variant allele frequency, disease prevalence and penetrance estimates, and inheritance mode, an automated score was calculated to assess if this variant is too frequent to cause the disease. Based on the score and internal cut-off values, a variant classified as benign is not then subjected to further curation. The score for this variant resulted in a classification of benign for this disease.

GeneDx
Classification: Benign. Last evaluated: 2015-07-17. Review status: criteria provided, single submitter. Criteria: GeneDx Variant Classification (06012015). Collection method: clinical testing. Allele origin: germline. Affected: yes.
Comment: This variant is considered likely benign or benign based on one or more of the following criteria: it is a conservative change, it occurs at a poorly conserved position in the protein, it is predicted to be benign by multiple in silico algorithms, and/or has population frequency not consistent with disease.

NM_018368.4(LMBRD1):c.-18T>A

Gene: LMBRD1 (LMBR1 domain containing 1; minus strand). Cytogenetic location: 6q13.
Variant type: single nucleotide variant.
Coding change: c.-18T>A on transcript NM_018368.4 (MANE Select); 18 bases upstream of the start codon, T replaced by A.
Molecular consequence: 5 prime UTR variant.
Genome position (GRCh38, 1-based): chr6:69,796,899, A>T on the plus strand (T>A on the coding strand, the complement: LMBRD1 is on the minus strand). VCF-style: chr6-69796899-A-T. GRCh37 (hg19) VCF-style: chr6-70506791-A-T.
Identifiers: ClinVar variation 357782 (VCV000357782.6), dbSNP rs202192515, ClinGen allele CA3880062.